The following is an entry in ClinVar:

ClinVar aggregate classification (germline): Benign. Review status: criteria provided, multiple submitters, no conflicts (2 of 4 stars). 2 submissions from 2 submitters: Benign (2). Last evaluated 2018-01-13.

Conditions:
Charcot-Marie-Tooth disease type 4B2. Also called: Charcot-Marie-Tooth Neuropathy Type 4B2; CHARCOT-MARIE-TOOTH DISEASE, WITH FOCALLY FOLDED MYELIN SHEATHS, AUTOSOMAL RECESSIVE, TYPE 4B2; CMT 4B2; CHARCOT-MARIE-TOOTH DISEASE, DEMYELINATING, TYPE 4B2. Identifiers: Orphanet 99956, MedGen C1858278, MONDO:0011475, OMIM 604563.

Allele frequency attached by ClinVar (database versions not stated): 1000 Genomes Project 0.61082; 1000 Genomes Project 30x 0.61102; TOPMed 0.62419; gnomAD 0.62923 and 0.63186; gnomAD exomes 0.76402.
gnomAD v4.1: 96,106 of 152,478 alleles (63%); highest among the groups gnomAD compares: Middle Eastern, 71%; 30,532 homozygotes.

Submissions (2):

Illumina Laboratory Services, Illumina
Classification: Benign for Charcot-Marie-Tooth disease type 4B2. Last evaluated: 2018-01-13. Review status: criteria provided, single submitter. Criteria: ICSL Variant Classification Criteria 13 December 2019. Collection method: clinical testing. Allele origin: germline.
Comment: This variant was observed in the ICSL laboratory as part of a predisposition screen in an ostensibly healthy population. It had not been previously curated by ICSL or reported in the Human Gene Mutation Database (HGMD: prior to June 1st, 2018), and was therefore a candidate for classification through an automated scoring system. Utilizing variant allele frequency, disease prevalence and penetrance estimates, and inheritance mode, an automated score was calculated to assess if this variant is too frequent to cause the disease. Based on the score and internal cut-off values, a variant classified as benign is not then subjected to further curation. The score for this variant resulted in a classification of benign for this disease.

Breakthrough Genomics
Classification: Benign. Review status: criteria provided, single submitter. Criteria: ACMG Guidelines, 2015. Collection method: not provided. Allele origin: germline. Inheritance: Autosomal recessive inheritance. Affected: yes.

NM_030962.4(SBF2):c.*1364C>T

Genes: SBF2-AS1 (SBF2 antisense RNA 1; plus strand), SBF2 (SET binding factor 2; minus strand). Cytogenetic location: 11p15.4.
Variant type: single nucleotide variant.
Coding change: c.*1364C>T on transcript NM_030962.4 (MANE Select); 1364 bases downstream of the stop codon, C replaced by T.
Molecular consequence: 3 prime UTR variant.
Genome position (GRCh38, 1-based): chr11:9,779,054, G>A on the plus strand (C>T on the coding strand, the complement: SBF2 is on the minus strand). VCF-style: chr11-9779054-G-A. GRCh37 (hg19) VCF-style: chr11-9800601-G-A.
Other names: c.*1364C>T (NM_001386339.1, NM_001386342.1).
Identifiers: ClinVar variation 306557 (VCV000306557.6), dbSNP rs10118, ClinGen allele CA10639788.
Genomic context (GRCh38, chr11:9,779,054, plus strand): 5'-ACAGGTGGCAATTTATAAAATGGAAATGATAGAAAAGTCCTTCATTCTTAATTATCCCCA[G>A]ATTTCTTATATATTAACACAGTTCTATTTCCTAGTGTGTGGACAATTTTAAATTTGAAAT-3'